The following is an entry in ClinVar:

ClinVar aggregate classification (germline): Pathogenic/Likely pathogenic. Review status: criteria provided, multiple submitters, no conflicts (2 of 4 stars). 2 submissions from 2 submitters: Pathogenic (1); Likely pathogenic (1). Last evaluated 2023-09-12.

Conditions:
3-methylcrotonyl-CoA carboxylase 2 deficiency. Also called: 3 alpha methylcrotonyl-CoA carboxylase 2 deficiency; 3 alpha methylcrotonylglycinuria 2; MCC 2 deficiency; Methylcrotonylglycinuria type 2; METHYLCROTONYLGLYCINURIA, TYPE II. Identifiers: Orphanet 6, MedGen C1859499, MONDO:0008862, OMIM 210210.

Allele frequency attached by ClinVar (database versions not stated): gnomAD exomes below 0.00001.

Submissions (2):

GeneDx
Classification: Likely pathogenic. Last evaluated: 2023-09-12. Review status: criteria provided, single submitter. Criteria: GeneDx Variant Classification Process June 2021. Collection method: clinical testing. Allele origin: germline. Affected: yes.
Comment: Identified in the heterozygous state with a second MCCC2 variant in an infant identified by newborn screening, but it is not known whether the variants occurred on the same (in cis) or on different (in trans) chromosomes (Forsyth et al., 2016); Not observed at significant frequency in large population cohorts (gnomAD); In silico analysis supports that this missense variant has a deleterious effect on protein structure/function; This variant is associated with the following publications: (PMID: 27033733)

Labcorp Genetics (formerly Invitae), Labcorp
Classification: Pathogenic for 3-methylcrotonyl-CoA carboxylase 2 deficiency. Last evaluated: 2023-07-18. Review status: criteria provided, single submitter. Criteria: Invitae Variant Classification Sherloc (09022015). Collection method: clinical testing. Allele origin: germline.
Comment: This missense change has been observed in individual(s) with 3 methylcrotonyl-CoA carboxylase deficiency (PMID: 27033733; Invitae). In at least one individual the data is consistent with being in trans (on the opposite chromosome) from a pathogenic variant. This variant is not present in population databases (gnomAD no frequency). This sequence change replaces glycine, which is neutral and non-polar, with aspartic acid, which is acidic and polar, at codon 559 of the MCCC2 protein (p.Gly559Asp). ClinVar contains an entry for this variant (Variation ID: 2203658). Advanced modeling of protein sequence and biophysical properties (such as structural, functional, and spatial information, amino acid conservation, physicochemical variation, residue mobility, and thermodynamic stability) performed at Invitae indicates that this missense variant is expected to disrupt MCCC2 protein function. For these reasons, this variant has been classified as Pathogenic.

Literature cited by the submitters: PubMed 27033733 (cited by Labcorp Genetics (formerly Invitae), Labcorp).

NM_022132.5(MCCC2):c.1676G>A (p.Gly559Asp)

Gene: MCCC2 (methylcrotonyl-CoA carboxylase subunit 2; plus strand). Cytogenetic location: 5q13.2.
Variant type: single nucleotide variant.
Coding change: c.1676G>A on transcript NM_022132.5 (MANE Select); coding-DNA position 1676, G replaced by A.
Protein change: p.Gly559Asp; replaces glycine 559 with aspartic acid.
Molecular consequence: missense variant.
Genome position (GRCh38, 1-based): chr5:71,656,844, G>A. VCF-style: chr5-71656844-G-A. GRCh37 (hg19) VCF-style: chr5-70952671-G-A.
Other names: c.1676G>A (NM_022132.4); c.1562G>A, p.Gly521Asp (NM_001363147.1); short protein forms G559D, G521D.
Identifiers: ClinVar variation 2203658 (VCV002203658.5), dbSNP rs1747595026, ClinGen allele CA360004869.